The following is an entry in ClinVar:

NM_001458.5(FLNC):c.1677-1G>C

Gene: FLNC (filamin C; plus strand). Cytogenetic location: 7q32.1.
Variant type: single nucleotide variant.
Coding change: c.1677-1G>C on transcript NM_001458.5 (MANE Select); the canonical splice acceptor site of the intron before coding-DNA position 1677, G replaced by C.
Molecular consequence: splice acceptor variant.
Genome position (GRCh38, 1-based): chr7:128,840,833, G>C. VCF-style: chr7-128840833-G-C. GRCh37 (hg19) VCF-style: chr7-128480887-G-C.
Other names: c.1677-1G>C (NM_001127487.2).
Identifiers: ClinVar variation 1777805 (VCV001777805.2), dbSNP rs2536627048, ClinGen allele CA369226835.

ClinVar aggregate classification (germline): Likely pathogenic (1 of 4 stars; one submission).

Conditions:
Cardiovascular phenotype. Identifiers: MedGen CN230736.

Submission:

Ambry Genetics
Classification: Likely pathogenic for Cardiovascular phenotype. Last evaluated: 2022-07-21. Review status: criteria provided, single submitter. Criteria: Ambry Variant Classification Scheme 2023. Collection method: clinical testing. Allele origin: germline.
Comment: The c.1677-1G>C intronic variant results from a G to C substitution one nucleotide before coding exon 11 of the FLNC gene. This variant is considered to be rare based on population cohorts in the Genome Aggregation Database (gnomAD). This nucleotide position is highly conserved in available vertebrate species. In silico splice site analysis predicts that this alteration will weaken the native splice acceptor site and will result in the creation or strengthening of a novel splice acceptor site. Alterations that disrupt the canonical splice site are expected to cause aberrant splicing, resulting in an abnormal protein or a transcript that is subject to nonsense-mediated mRNA decay. As such, this alteration is classified as likely pathogenic.